The following is an entry in ClinVar:

ClinVar aggregate classification (germline): Benign/Likely benign. Review status: criteria provided, multiple submitters, no conflicts (2 of 4 stars). 3 submissions from 3 submitters: Benign (1); Likely benign (2). Last evaluated 2025-10-08.

Submissions (3):

Labcorp Genetics (formerly Invitae), Labcorp
Classification: Likely benign. Last evaluated: 2025-10-08. Review status: criteria provided, single submitter. Criteria: Invitae Variant Classification Sherloc (09022015). Collection method: clinical testing. Allele origin: germline.

Blueprint Genetics
Classification: Likely benign. Last evaluated: 2024-09-10. Review status: criteria provided, single submitter. Criteria: ACMG Guidelines, 2015. Collection method: clinical testing. Allele origin: germline.

CeGaT Center for Human Genetics Tuebingen
Classification: Benign. Last evaluated: 2022-11-01. Review status: criteria provided, single submitter. Criteria: CeGaT Center For Human Genetics Tuebingen Variant Classification Criteria Version 2. Collection method: clinical testing. Allele origin: germline. Affected: yes. Observed: 1 variant allele.
Comment: TOP2B: BP4, BS1, BS2

NM_001330700.2(TOP2B):c.396-26_396-5del

Gene: TOP2B (DNA topoisomerase II beta; minus strand). Cytogenetic location: 3p24.2.
Variant type: Deletion.
Coding change: c.396-26_396-5del on transcript NM_001330700.2 (MANE Select); 26 bases into the intron before coding-DNA position 396 through 5 bases into the intron before coding-DNA position 396, 22 bases deleted (TTTTTTTTTTTTTTTTTTTTTT).
Molecular consequence: intron variant.
Genome position (GRCh38, 1-based): chr3:25,638,315-25,638,336, AAAAAAAAAAAAAAAAAAAAAA deleted on the plus strand (TTTTTTTTTTTTTTTTTTTTTT on the coding strand, the reverse complement: TOP2B is on the minus strand); deleting any 22 consecutive bases within chr3:25,638,315-25,638,352 gives the same sequence; the c. name uses the placement nearest the transcript's 3' end. VCF-style (leftmost placement, unchanged base first): chr3-25638314-TAAAAAAAAAAAAAAAAAAAAAA-T. GRCh37 (hg19) VCF-style: chr3-25679805-TAAAAAAAAAAAAAAAAAAAAAA-T.
Other names: c.381-26_381-5del (NM_001068.3).
Identifiers: ClinVar variation 1594569 (VCV001594569.33), dbSNP rs56986587, ClinGen allele CA2288900.